The following is an entry in ClinVar:

NM_000465.4(BARD1):c.-4G>A

Gene: BARD1 (BRCA1 associated RING domain 1; minus strand). Cytogenetic location: 2q35.
Variant type: single nucleotide variant.
Coding change: c.-4G>A on transcript NM_000465.4 (MANE Select); 4 bases upstream of the start codon, G replaced by A.
Molecular consequence: 5 prime UTR variant. On other transcripts: non-coding transcript variant (3).
Genome position (GRCh38, 1-based): chr2:214,809,573, C>T on the plus strand (G>A on the coding strand, the complement: BARD1 is on the minus strand). VCF-style: chr2-214809573-C-T. GRCh37 (hg19) VCF-style: chr2-215674297-C-T.
Other names: c.-4G>A (NM_001282543.2, NM_001282545.2, NM_001282548.2 and 1 more transcripts).
Identifiers: ClinVar variation 184470 (VCV000184470.21), dbSNP rs761863671, ClinGen allele CA189055.

ClinVar aggregate classification (germline): Conflicting classifications of pathogenicity. Review status: criteria provided, conflicting classifications (1 of 4 stars). 10 submissions from 10 submitters: Uncertain significance (4); Benign (1); Likely benign (3). 2 of the submissions do not count toward it. Last evaluated 2025-07-14.

Conditions:
Hereditary cancer. Identifiers: MedGen C1333600.
BARD1-related disorder. Also called: BARD1-related condition.
Hereditary cancer-predisposing syndrome. Also called: Tumor predisposition; Neoplastic Syndromes, Hereditary; Hereditary neoplastic syndrome; Hereditary Cancer Syndrome. Identifiers: Orphanet 140162, MedGen C0027672, MeSH D009386, MONDO:0015356.
Familial cancer of breast. Also called: BREAST CANCER, FAMILIAL; hereditary breast carcinoma; Hereditary breast cancer. Identifiers: Orphanet 227535, MedGen C0346153, MONDO:0016419, OMIM 114480. Disease mechanism: loss of function.

Allele frequency attached by ClinVar (database versions not stated): gnomAD exomes 0.00004; ExAC 0.00005; gnomAD 0.00005; TOPMed 0.00006.
gnomAD v4.1: 79 of 1,544,142 alleles (0.0051%); highest among the groups gnomAD compares: Non-Finnish European, 0.0065%; no homozygotes.

Submissions (10):

Women's Health and Genetics/Laboratory Corporation of America, LabCorp
Classification: Uncertain significance. Last evaluated: 2025-07-14. Review status: criteria provided, single submitter. Criteria: LabCorp Variant Classification Summary - May 2015. Collection method: clinical testing. Allele origin: germline.
Comment: Variant summary: BARD1 c.-4G>A is located in the untranslated mRNA region upstream of the initiation codon. The variant allele was found at a frequency of 4e-05 in 149958 control chromosomes (gnomAD). The available data on variant occurrences in the general population are insufficient to allow any conclusion about variant significance. c.-4G>A has been observed in one individual affected with Breast Cancer (Rezoug_2024). The report does not provide unequivocal conclusions about association of the variant with Hereditary Breast And Ovarian Cancer Syndrome. To our knowledge, no experimental evidence demonstrating an impact on protein function has been reported. The following publication have been ascertained in the context of this evaluation (PMID: 39226054). ClinVar contains an entry for this variant (Variation ID: 184470). Based on the evidence outlined above, the variant was classified as uncertain significance.

Ambry Genetics
Classification: Uncertain significance for Hereditary cancer-predisposing syndrome. Last evaluated: 2024-08-20. Review status: criteria provided, single submitter. Criteria: Ambry Variant Classification Scheme 2023. Collection method: clinical testing. Allele origin: germline.
Comment: The c.-4G>A variant is located in the 5' untranslated region (5&rsquo; UTR) of the BARD1 gene. This variant results from a G to A substitution 4 bases upstream from the first translated codon. This nucleotide position is highly conserved in available vertebrate species. Based on the available evidence, the clinical significance of this variant remains unclear.

Mendelics
Classification: Uncertain significance for Hereditary cancer. Last evaluated: 2024-08-12. Review status: criteria provided, single submitter. Criteria: ACMG Guidelines, 2015. Collection method: clinical testing. Allele origin: unknown.

Myriad Genetics, Inc.
Classification: Likely benign for Familial cancer of breast. Last evaluated: 2024-07-18. Review status: criteria provided, single submitter. Criteria: Myriad Autosomal Dominant, Autosomal Recessive and X-Linked Classification Criteria (2023). Collection method: clinical testing. Allele origin: unknown.
Comment: This variant is considered likely benign. This variant is strongly associated with less severe personal and family histories of cancer, typical for individuals without pathogenic variants in this gene [PMID: 25085752].

Quest Diagnostics Nichols Institute San Juan Capistrano
Classification: Uncertain significance. Last evaluated: 2023-07-10. Review status: criteria provided, single submitter. Criteria: Quest Diagnostics criteria. Collection method: clinical testing. Allele origin: unknown.
Comment: The variant has not been reported in individuals with BARD1-related conditions in the published literature. The frequency of this variant in the general population, 0.000092 (7/76156 chromosomes (Genome Aggregation Database)), is uninformative in the assessment of its pathogenicity. Based on the available information, we are unable to determine the clinical significance of this variant.

Blueprint Genetics
Classification: Likely benign. Last evaluated: 2022-09-01. Review status: criteria provided, single submitter. Criteria: ACMG Guidelines, 2015. Collection method: clinical testing. Allele origin: germline.

Color Diagnostics, LLC DBA Color Health
Classification: Likely benign for Hereditary cancer-predisposing syndrome. Last evaluated: 2015-10-19. Review status: criteria provided, single submitter. Criteria: ACMG Guidelines, 2015. Collection method: clinical testing. Allele origin: germline.

GeneDx
Classification: Benign. Last evaluated: 2015-03-03. Review status: criteria provided, single submitter. Criteria: GeneDx Variant Classification Process June 2021. Collection method: clinical testing. Allele origin: germline. Affected: yes.

PreventionGenetics, part of Exact Sciences
Classification: Likely benign for BARD1-related condition. Last evaluated: 2021-02-03. Review status: no assertion criteria provided. Collection method: clinical testing. Allele origin: germline. Not counted in ClinVar's aggregate classification.
Comment: This variant is classified as likely benign based on ACMG/AMP sequence variant interpretation guidelines (Richards et al. 2015 PMID: 25741868, with internal and published modifications).

Department of Pathology and Laboratory Medicine, Sinai Health System
Classification: Uncertain significance for Familial cancer of breast. Review status: no assertion criteria provided. Collection method: clinical testing. Allele origin: unknown. Affected: yes. Observed: 1 variant allele. Study: The Canadian Open Genetics Repository (COGR). Not counted in ClinVar's aggregate classification.
Comment: The BARD1 c.-4G>A variant was not identified in the literature nor was it identified in the COSMIC, MutDB, or Zhejiang Colon Cancer Database. The variant was identified in dbSNP (ID: rs761863671) as â€šÃ„ÃºWith Uncertain significance alleleâ€šÃ„Ã¹, and in the ClinVar and Clinvitae databases (1x classified as uncertain significance by Ambry Genetics). The variant was identified in control databases in 7 of 176022 chromosomes (no homozygotes) at a frequency of 0.00004 (Genome Aggregation Database Feb 27, 2017). Breakdown of the observations by population include European Non-Finnish in 7 of 73398 chromosomes (freq: 0.000095), while the variant was not observed in the African, Other, Latino, Ashkenazi Jewish, East Asian, European Finnish, and South Asian populations. The c.-4G>A variant is located in the 3' splice region but does not affect the invariant -1 and -2 positions. The variant occurs outside of the splicing consensus sequence and 1 of 5 in silico or computational prediction software programs (SpliceSiteFinder, MaxEntScan, NNSPLICE, GeneSplicer, HumanSpliceFinder) predict a greater than 10% difference in splicing; this is not very predictive of pathogenicity. In summary, based on the above information the clinical significance of this variant cannot be determined with certainty at this time. This variant is classified as a variant of uncertain significance.

Literature cited by the submitters: PubMed 39226054 (cited by Women's Health and Genetics/Laboratory Corporation of America, LabCorp); PubMed 25085752 (cited by Myriad Genetics, Inc.).